The following is an entry in ClinVar:

ClinVar aggregate classification (germline): Benign/Likely benign. Review status: criteria provided, multiple submitters, no conflicts (2 of 4 stars). 2 submissions from 2 submitters: Benign (1); Likely benign (1). Last evaluated 2024-05-20.

Conditions:
Hereditary cancer-predisposing syndrome. Also called: Neoplastic Syndromes, Hereditary; Tumor predisposition; Hereditary Cancer Syndrome; Hereditary neoplastic syndrome. Identifiers: Orphanet 140162, MedGen C0027672, MeSH D009386, MONDO:0015356.
Familial cancer of breast. Also called: BREAST CANCER, FAMILIAL; Hereditary breast cancer; hereditary breast carcinoma. Identifiers: Orphanet 227535, MedGen C0346153, MONDO:0016419, OMIM 114480. Disease mechanism: loss of function.

Submissions (2):

Myriad Genetics, Inc.
Classification: Benign for Familial cancer of breast. Last evaluated: 2024-05-20. Review status: criteria provided, single submitter. Criteria: Myriad Autosomal Dominant, Autosomal Recessive and X-Linked Classification Criteria (2023). Collection method: clinical testing. Allele origin: unknown.
Comment: This variant is considered benign. This variant is a silent/synonymous amino acid change and it is not expected to impact splicing.

Ambry Genetics
Classification: Likely benign for Hereditary cancer-predisposing syndrome. Last evaluated: 2016-10-04. Review status: criteria provided, single submitter. Criteria: Ambry Variant Classification Scheme 2023. Collection method: clinical testing. Allele origin: germline.

NM_000051.4(ATM):c.4725T>C (p.Arg1575=)

Gene: ATM (ATM serine/threonine kinase; plus strand). Cytogenetic location: 11q22.3.
Variant type: single nucleotide variant.
Coding change: c.4725T>C on transcript NM_000051.4 (MANE Select); coding-DNA position 4725, T replaced by C.
Protein change: p.Arg1575=; no amino-acid change (arginine 1575 retained).
Molecular consequence: synonymous variant.
Genome position (GRCh38, 1-based): chr11:108,293,426, T>C. VCF-style: chr11-108293426-T-C. GRCh37 (hg19) VCF-style: chr11-108164153-T-C.
Other names: c.4725T>C, p.Arg1575= (NM_001351834.2).
Identifiers: ClinVar variation 482641 (VCV000482641.6), dbSNP rs1555100576, ClinGen allele CA476674448.
Genomic context (GRCh38, chr11:108,293,426, plus strand): 5'-CTATATCACGATTAAGCTTTTAGATCCTTTTCCTGACCATGTTGTTTTTAAGGATTTGCG[T>C]ATTACTCAGCAAAAAATCAAATACAGTAGAGGACCCTTTTCACTCTTGGAGGTAATAAAA-3'
Protein context (NP_000042.3, residues 1565-1585): FPDHVVFKDL[Arg1575=]ITQQKIKYSR